The following is an entry in ClinVar:

ClinVar aggregate classification (germline): Uncertain significance (1 of 4 stars; one submission).

Conditions:
Inborn genetic diseases. Identifiers: MedGen C0950123, MeSH D030342.

gnomAD v4.1: 2 of 1,612,752 alleles (0.00012%); highest among the groups gnomAD compares: Non-Finnish European, 0.00017%; no homozygotes.

Submission:

Ambry Genetics
Classification: Uncertain significance for Inborn genetic diseases. Last evaluated: 2026-09-02. Review status: criteria provided, single submitter. Criteria: Ambry Variant Classification Scheme 2023. Collection method: clinical testing. Allele origin: germline.
Comment: The c.3271A>G (p.K1091E) alteration is located in exon 11 (coding exon 8) of the KDM6B gene. This alteration results from a A to G substitution at nucleotide position 3271, causing the lysine (K) at amino acid position 1091 to be replaced by a glutamic acid (E). Based on data from gnomAD, the G allele has an overall frequency of <0.001% (1/246976) total alleles studied. The highest observed frequency was 0.001% (1/110870) of European (non-Finnish) alleles. Based on insufficient or conflicting evidence, the clinical significance of this alteration remains unclear.

NM_001348716.2(KDM6B):c.3271A>G (p.Lys1091Glu)

Gene: KDM6B (lysine demethylase 6B; plus strand). Cytogenetic location: 17p13.1.
Variant type: single nucleotide variant.
Coding change: c.3271A>G on transcript NM_001348716.2 (MANE Select); coding-DNA position 3271, A replaced by G.
Protein change: p.Lys1091Glu; replaces lysine 1091 with glutamic acid.
Molecular consequence: missense variant.
Genome position (GRCh38, 1-based): chr17:7,849,559, A>G. VCF-style: chr17-7849559-A-G. GRCh37 (hg19) VCF-style: chr17-7752877-A-G.
Other names: c.3271A>G, p.Lys1091Glu (NM_001080424.2); short protein forms K1091E.
Identifiers: ClinVar variation 5023140 (VCV005023140.1).
Genomic context (GRCh38, chr17:7,849,559, plus strand): 5'-GGAAAGAAGGCTCGGGAGGAAGCCCCAGGGCCACCGGGTGTCAGCCGGGCCGACATGCTG[A>G]AGCTGCGCTCACTTAGTGAGGGGCCCCCCAAGGAGCTGAAGATCCGGCTCATCAAGGTAG-3'
Protein context (NP_001335645.1, residues 1081-1101): PPGVSRADML[Lys1091Glu]LRSLSEGPPK